The following is an entry in ClinVar:

ClinVar aggregate classification (germline): Uncertain significance (1 of 4 stars; one submission).

gnomAD v4.1: 1 of 1,614,144 alleles (0.000062%); highest among the groups gnomAD compares: Non-Finnish European, 0.000085%; no homozygotes.

Submission:

Ambry Genetics
Classification: Uncertain significance. Last evaluated: 2021-07-27. Review status: criteria provided, single submitter. Criteria: Ambry Variant Classification Scheme 2023. Collection method: clinical testing. Allele origin: germline.
Comment: The p.A1260V variant (also known as c.3779C>T), located in coding exon 17 of the NPAT gene, results from a C to T substitution at nucleotide position 3779. The alanine at codon 1260 is replaced by valine, an amino acid with similar properties. This amino acid position is conserved. In addition, this alteration is predicted to be tolerated by in silico analysis. Since supporting evidence is limited at this time, the clinical significance of this alteration remains unclear.

NM_002519.3(NPAT):c.3779C>T (p.Ala1260Val)

Gene: NPAT (nuclear protein, coactivator of histone transcription; minus strand). Cytogenetic location: 11q22.3.
Variant type: single nucleotide variant.
Coding change: c.3779C>T on transcript NM_002519.3 (MANE Select); coding-DNA position 3779, C replaced by T.
Protein change: p.Ala1260Val; replaces alanine 1260 with valine.
Molecular consequence: missense variant.
Genome position (GRCh38, 1-based): chr11:108,161,307, G>A on the plus strand (C>T on the coding strand, the complement: NPAT is on the minus strand). VCF-style: chr11-108161307-G-A. GRCh37 (hg19) VCF-style: chr11-108032034-G-A.
Other names: c.3800C>T, p.Ala1267Val (NM_001321307.1); short protein forms A1260V, A1267V.
Identifiers: ClinVar variation 1734820 (VCV001734820.2), dbSNP rs2134818247, ClinGen allele CA382510060.